The following is an entry in ClinVar:

ClinVar aggregate classification (germline): Uncertain significance (1 of 4 stars; one submission).

Allele frequency attached by ClinVar (database versions not stated): ExAC 0.00002; gnomAD 0.00002; gnomAD exomes 0.00002 and 0.00003; TOPMed 0.00005; ESP Exome Variant Server 0.00008.
gnomAD v4.1: 53 of 1,613,152 alleles (0.0033%); highest among the groups gnomAD compares: East Asian, 0.018%; no homozygotes.

Submission:

Labcorp Genetics (formerly Invitae), Labcorp
Classification: Uncertain significance. Last evaluated: 2021-11-14. Review status: criteria provided, single submitter. Criteria: Invitae Variant Classification Sherloc (09022015). Collection method: clinical testing. Allele origin: germline.
Comment: This sequence change falls in intron 12 of the ABCC6 gene. It does not directly change the encoded amino acid sequence of the ABCC6 protein. It affects a nucleotide within the consensus splice site. This variant is present in population databases (rs370532188, gnomAD 0.004%). This variant has not been reported in the literature in individuals affected with ABCC6-related conditions. Variants that disrupt the consensus splice site are a relatively common cause of aberrant splicing (PMID: 17576681, 9536098). Algorithms developed to predict the effect of sequence changes on RNA splicing suggest that this variant may disrupt the consensus splice site. In summary, the available evidence is currently insufficient to determine the role of this variant in disease. Therefore, it has been classified as a Variant of Uncertain Significance.

Literature cited by the submitters: PubMed 17576681; PubMed 9536098.

NM_001171.6(ABCC6):c.1635+6G>A

Gene: ABCC6 (ATP binding cassette subfamily C member 6; minus strand). Cytogenetic location: 16p13.11.
Variant type: single nucleotide variant.
Coding change: c.1635+6G>A on transcript NM_001171.6 (MANE Select); 6 bases into the intron after coding-DNA position 1635, G replaced by A.
Molecular consequence: intron variant.
Genome position (GRCh38, 1-based): chr16:16,190,158, C>T on the plus strand (G>A on the coding strand, the complement: ABCC6 is on the minus strand). VCF-style: chr16-16190158-C-T. GRCh37 (hg19) VCF-style: chr16-16284015-C-T.
Other names: c.1293+6G>A (NM_001351800.1).
Identifiers: ClinVar variation 1385335 (VCV001385335.3), dbSNP rs370532188, ClinGen allele CA7926251.